The following is an entry in ClinVar:

ClinVar aggregate classification (germline): Benign. Review status: criteria provided, single submitter (1 of 4 stars). 2 submissions from 2 submitters: Benign (1). 1 of the submissions does not count toward it. Last evaluated 2021-11-27.

Conditions:
PLXNA2-related disorder. Also called: PLXNA2-related condition.

Allele frequency attached by ClinVar (database versions not stated): TOPMed 0.00001; gnomAD exomes 0.00015 and 0.00032; 1000 Genomes Project 30x 0.00031; ExAC 0.00035; 1000 Genomes Project 0.00040.
gnomAD v4.1: 220 of 1,614,192 alleles (0.014%); highest among the groups gnomAD compares: South Asian, 0.23%; 4 homozygotes.

Submissions (2):

Labcorp Genetics (formerly Invitae), Labcorp
Classification: Benign. Last evaluated: 2021-11-27. Review status: criteria provided, single submitter. Criteria: Invitae Variant Classification Sherloc (09022015). Collection method: clinical testing. Allele origin: germline.

PreventionGenetics, part of Exact Sciences
Classification: Likely benign for PLXNA2-related condition. Last evaluated: 2023-02-13. Review status: no assertion criteria provided. Collection method: clinical testing. Allele origin: germline. Not counted in ClinVar's aggregate classification.
Comment: This variant is classified as likely benign based on ACMG/AMP sequence variant interpretation guidelines (Richards et al. 2015 PMID: 25741868, with internal and published modifications).

NM_025179.4(PLXNA2):c.1110C>G (p.Arg370=)

Gene: PLXNA2 (plexin A2; minus strand). Cytogenetic location: 1q32.2.
Variant type: single nucleotide variant.
Coding change: c.1110C>G on transcript NM_025179.4 (MANE Select); coding-DNA position 1110, C replaced by G.
Protein change: p.Arg370=; no amino-acid change (arginine 370 retained).
Molecular consequence: synonymous variant.
Genome position (GRCh38, 1-based): chr1:208,216,813, G>C on the plus strand (C>G on the coding strand, the complement: PLXNA2 is on the minus strand). VCF-style: chr1-208216813-G-C. GRCh37 (hg19) VCF-style: chr1-208390158-G-C.
Other names: c.1110C>G (NM_025179.3).
Identifiers: ClinVar variation 1537536 (VCV001537536.10), dbSNP rs201059045, ClinGen allele CA1373972.